The following is an entry in ClinVar:

NM_007294.4(BRCA1):c.95A>G (p.Lys32Arg)

Gene: BRCA1 (BRCA1 DNA repair associated; minus strand). Cytogenetic location: 17q21.31.
Variant type: single nucleotide variant.
Coding change: c.95A>G on transcript NM_007294.4 (MANE Select); coding-DNA position 95, A replaced by G.
Protein change: p.Lys32Arg; replaces lysine 32 with arginine.
Molecular consequence: missense variant. On other transcripts: non-coding transcript variant (1), intron variant (1).
Genome position (GRCh38, 1-based): chr17:43,115,765, T>C on the plus strand (A>G on the coding strand, the complement: BRCA1 is on the minus strand). VCF-style: chr17-43115765-T-C. GRCh37 (hg19) VCF-style: chr17-41267782-T-C.
Other names: c.-94A>G (NM_001407571.1, NM_001407853.1, NM_001407879.1 and 52 more transcripts); c.95A>G, p.Lys32Arg (NM_001407581.1, NM_001407582.1, NM_001407583.1 and 192 more transcripts); c.-163A>G (NM_001407694.1, NM_001407696.1, NM_001407724.1 and 13 more transcripts); c.-167A>G (NM_001407695.1, NM_001408465.1); c.-47A>G (NM_001407697.1, NM_001407725.1, NM_001407728.1 and 47 more transcripts); c.-43A>G (NM_001407841.1); c.-210A>G (NM_001407889.1, NM_001407900.1, NM_001408492.1); c.-209A>G (NM_001407960.1, NM_001407962.1, NM_001408510.1 and 1 more transcripts); and 2 more; short protein forms K32R.
Identifiers: ClinVar variation 867796 (VCV000867796.6), dbSNP rs2055258563, ClinGen allele CA10601963.

ClinVar aggregate classification (germline): Conflicting classifications of pathogenicity. Review status: criteria provided, conflicting classifications (1 of 4 stars). 2 submissions from 2 submitters: Uncertain significance (1); Likely benign (1). Last evaluated 2025-05-09.

Conditions:
Hereditary breast ovarian cancer syndrome. Also called: Hereditary breast and ovarian cancer; Hereditary breast and ovarian cancer syndrome (HBOC); Breast and ovarian cancer; Hereditary breast and/or ovarian cancer syndrome; BRCA1- and BRCA2-Associated Hereditary Breast and Ovarian Cancer; Hereditary breast and ovarian cancer syndrome. Identifiers: Orphanet 145, MedGen C0677776, MeSH D061325, MONDO:0003582. Disease mechanism: loss of function.
Hereditary cancer-predisposing syndrome. Also called: Neoplastic Syndromes, Hereditary; Tumor predisposition; Hereditary Cancer Syndrome; Hereditary neoplastic syndrome. Identifiers: Orphanet 140162, MedGen C0027672, MeSH D009386, MONDO:0015356.

Submissions (3):

Ambry Genetics
Classification: Likely benign for Hereditary cancer-predisposing syndrome. Last evaluated: 2025-05-09. Review status: criteria provided, single submitter. Criteria: Ambry Variant Classification Scheme 2023. Collection method: clinical testing. Allele origin: germline.

Labcorp Genetics (formerly Invitae), Labcorp
Classification: Uncertain significance for Hereditary breast ovarian cancer syndrome. Last evaluated: 2024-10-02. Review status: criteria provided, single submitter. Criteria: Invitae Variant Classification Sherloc (09022015). Collection method: clinical testing. Allele origin: germline.
Comment: This sequence change replaces lysine, which is basic and polar, with arginine, which is basic and polar, at codon 32 of the BRCA1 protein (p.Lys32Arg). This variant is not present in population databases (gnomAD no frequency). This variant has not been reported in the literature in individuals affected with BRCA1-related conditions. ClinVar contains an entry for this variant (Variation ID: 867796). Invitae Evidence Modeling incorporating data from in vitro experimental studies (PMID: 30209399) indicates that this missense variant is not expected to disrupt BRCA1 function with a negative predictive value of 95%. In summary, the available evidence is currently insufficient to determine the role of this variant in disease. Therefore, it has been classified as a Variant of Uncertain Significance.

Brotman Baty Institute, University of Washington
No classification provided (evidence only). Condition: Breast-ovarian cancer, familial 1. Review status: no classification provided. Collection method: in vitro. Allele origin: not applicable. Functional consequence: functionally_normal. Not counted in ClinVar's aggregate classification.
ClinVar note: "not provided" was previously submitted as the classification for the variant. However, the classification appeared to be based only on an observation of functional data so it was converted to no classification on 2025-07-30.

Literature cited by the submitters: PubMed 30209399 (cited by Ambry Genetics and Labcorp Genetics (formerly Invitae), Labcorp).